The following is an entry in ClinVar:

ClinVar aggregate classification (germline): Likely benign. Review status: criteria provided, single submitter (1 of 4 stars). 2 submissions from 2 submitters: Likely benign (1). 1 of the submissions does not count toward it. Last evaluated 2025-08-15.

Conditions:
COL27A1-related disorder. Also called: COL27A1-related condition.

Allele frequency attached by ClinVar (database versions not stated): ExAC 0.00002; gnomAD 0.00003 and 0.00004; gnomAD exomes 0.00003 and 0.00004; TOPMed 0.00003; ESP Exome Variant Server 0.00008.
gnomAD v4.1: 46 of 1,613,402 alleles (0.0029%); highest among the groups gnomAD compares: Non-Finnish European, 0.0035%; no homozygotes.

Submissions (2):

Labcorp Genetics (formerly Invitae), Labcorp
Classification: Likely benign. Last evaluated: 2025-08-15. Review status: criteria provided, single submitter. Criteria: Invitae Variant Classification Sherloc (09022015). Collection method: clinical testing. Allele origin: germline.

PreventionGenetics, part of Exact Sciences
Classification: Likely benign for COL27A1-related condition. Last evaluated: 2019-06-06. Review status: no assertion criteria provided. Collection method: clinical testing. Allele origin: germline. Not counted in ClinVar's aggregate classification.
Comment: This variant is classified as likely benign based on ACMG/AMP sequence variant interpretation guidelines (Richards et al. 2015 PMID: 25741868, with internal and published modifications).

NM_032888.4(COL27A1):c.303G>A (p.Val101=)

Gene: COL27A1 (collagen type XXVII alpha 1 chain; plus strand). Cytogenetic location: 9q32.
Variant type: single nucleotide variant.
Coding change: c.303G>A on transcript NM_032888.4 (MANE Select); coding-DNA position 303, G replaced by A.
Protein change: p.Val101=; no amino-acid change (valine 101 retained).
Molecular consequence: synonymous variant.
Genome position (GRCh38, 1-based): chr9:114,167,858, G>A. VCF-style: chr9-114167858-G-A. GRCh37 (hg19) VCF-style: chr9-116930138-G-A.
Identifiers: ClinVar variation 755433 (VCV000755433.12), dbSNP rs375672077, ClinGen allele CA5201105.